The following is an entry in ClinVar:

ClinVar aggregate classification (germline): Pathogenic (1 of 4 stars; one submission).

Submission:

Labcorp Genetics (formerly Invitae), Labcorp
Classification: Pathogenic. Last evaluated: 2024-11-05. Review status: criteria provided, single submitter. Criteria: Invitae Variant Classification Sherloc (09022015). Collection method: clinical testing. Allele origin: germline.
Comment: This sequence change creates a premature translational stop signal (p.Ser1561Profs*20) in the ABCA4 gene. It is expected to result in an absent or disrupted protein product. Loss-of-function variants in ABCA4 are known to be pathogenic (PMID: 10958761, 24938718, 25312043, 26780318). This variant is not present in population databases (gnomAD no frequency). This variant has not been reported in the literature in individuals affected with ABCA4-related conditions. ClinVar contains an entry for this variant (Variation ID: 969222). For these reasons, this variant has been classified as Pathogenic.

Literature cited by the submitters: PubMed 10958761; PubMed 24938718; PubMed 25312043; PubMed 26780318.

NM_000350.3(ABCA4):c.4681del (p.Ser1561fs)

Genes: ABCA4 (ATP binding cassette subfamily A member 4; minus strand), LOC126805793 (CDK7 strongly-dependent group 2 enhancer GRCh37_chr1:94486302-94487501; plus strand). Cytogenetic location: 1p22.1.
Variant type: Deletion.
Coding change: c.4681del on transcript NM_000350.3 (MANE Select); coding-DNA position 4681, one base deleted (T; older notation c.4681delT).
Protein change: p.Ser1561fs; shifts the reading frame from serine 1561.
Molecular consequence: frameshift variant.
Genome position (GRCh38, 1-based): chr1:94,021,938, A deleted on the plus strand (T on the coding strand, the reverse complement: ABCA4 is on the minus strand); the first of 3 consecutive A bases (chr1:94,021,938-94,021,940); deleting any one gives the same sequence. VCF-style (leftmost placement, unchanged base first): chr1-94021937-GA-G. GRCh37 (hg19) VCF-style: chr1-94487493-GA-G.
Other names: c.4457delT, p.Ser1487Profs (NM_001425324.1); short protein forms S1561fs.
Identifiers: ClinVar variation 969222 (VCV000969222.8), dbSNP rs1659914486, ClinGen allele CA1139656199.